The following is an entry in ClinVar:

ClinVar aggregate classification (germline): Uncertain significance (1 of 4 stars; one submission).

Conditions:
ABCC12-related condition.

gnomAD v4.1: 181 of 1,613,892 alleles (0.011%); highest among the groups gnomAD compares: African/African-American, 0.14%; no homozygotes.

Submission:

PreventionGenetics, part of Exact Sciences
Classification: Uncertain significance for ABCC12-related condition. Last evaluated: 2026-08-11. Review status: criteria provided, single submitter. Criteria: ACMG Guidelines, 2015. Collection method: clinical testing. Allele origin: germline.
Comment: The ABCC12 c.892C>T variant is predicted to result in premature protein termination (p.Arg298*). This variant was reported in a cardiovascular disease trait cohort study (Supplementary Table S1, Glicksberg et al. 2019. PubMed ID: 31345219). This variant is reported in 0.13% of alleles in individuals of African descent in gnomAD. At this time, the clinical significance of this variant is uncertain due to the absence of conclusive functional and genetic evidence.

NM_001393797.1(ABCC12):c.892C>T (p.Arg298Ter)

Gene: ABCC12 (ATP binding cassette subfamily C member 12; minus strand). Cytogenetic location: 16q12.1.
Variant type: single nucleotide variant.
Coding change: c.892C>T on transcript NM_001393797.1 (MANE Select); coding-DNA position 892, C replaced by T.
Protein change: p.Arg298Ter; replaces arginine 298 with a stop codon.
Molecular consequence: nonsense. On other transcripts: non-coding transcript variant (6).
Genome position (GRCh38, 1-based): chr16:48,138,315, G>A on the plus strand (C>T on the coding strand, the complement: ABCC12 is on the minus strand). VCF-style: chr16-48138315-G-A. GRCh37 (hg19) VCF-style: chr16-48172226-G-A.
Other names: c.892C>T, p.Arg298Ter (NM_001392028.1, NM_033226.3); short protein forms R298*.
Identifiers: ClinVar variation 4981815 (VCV004981815.1).
Genomic context (GRCh38, chr16:48,138,315, plus strand): 5'-CCCAGGCATACATTTTGATCAGCCTGATGCAGGTCAGAAACTCATTCATTGTCTGAACTC[G>A]CTTGTCTGTCACCAAAATTGCTGACCTTCGGAAAGCTGAATTGAGCTTGGCCATAAACAT-3'